The following is an entry in ClinVar:

ClinVar aggregate classification (germline): Uncertain significance (1 of 4 stars; one submission).

Conditions:
Nephronophthisis. Also called: Juvenile Nephronophthisis. Identifiers: Orphanet 655, MedGen C0687120, MONDO:0019005, HP:0000090.

Allele frequency attached by ClinVar (database versions not stated): gnomAD 0.00001; gnomAD exomes 0.00001 and 0.00002; ExAC 0.00002; TOPMed 0.00002.
gnomAD v4.1: 22 of 1,613,614 alleles (0.0014%); highest among the groups gnomAD compares: Middle Eastern, 0.016%; no homozygotes.

Submission:

Labcorp Genetics (formerly Invitae), Labcorp
Classification: Uncertain significance for Nephronophthisis. Last evaluated: 2021-12-01. Review status: criteria provided, single submitter. Criteria: Invitae Variant Classification Sherloc (09022015). Collection method: clinical testing. Allele origin: germline.
Comment: This sequence change replaces glutamic acid, which is acidic and polar, with glutamine, which is neutral and polar, at codon 757 of the NPHP3 protein (p.Glu757Gln). This variant is present in population databases (rs776113044, gnomAD 0.009%). This variant has not been reported in the literature in individuals affected with NPHP3-related conditions. ClinVar contains an entry for this variant (Variation ID: 840321). Algorithms developed to predict the effect of missense changes on protein structure and function (SIFT, PolyPhen-2, Align-GVGD) all suggest that this variant is likely to be tolerated. In summary, the available evidence is currently insufficient to determine the role of this variant in disease. Therefore, it has been classified as a Variant of Uncertain Significance.

NM_153240.5(NPHP3):c.2269G>C (p.Glu757Gln)

Genes: NPHP3 (nephrocystin 3; minus strand), NPHP3-ACAD11 (NPHP3-ACAD11 readthrough (NMD candidate); minus strand). Cytogenetic location: 3q22.1.
Variant type: single nucleotide variant.
Coding change: c.2269G>C on transcript NM_153240.5 (MANE Select); coding-DNA position 2269, G replaced by C.
Protein change: p.Glu757Gln; replaces glutamic acid 757 with glutamine.
Molecular consequence: missense variant. On other transcripts: non-coding transcript variant (1).
Genome position (GRCh38, 1-based): chr3:132,694,868, C>G on the plus strand (G>C on the coding strand, the complement: NPHP3 is on the minus strand). VCF-style: chr3-132694868-C-G. GRCh37 (hg19) VCF-style: chr3-132413712-C-G.
Other names: short protein forms E757Q.
Identifiers: ClinVar variation 840321 (VCV000840321.5), dbSNP rs776113044, ClinGen allele CA2622063.